The following is an entry in ClinVar:

ClinVar aggregate classification (germline): Uncertain significance (1 of 4 stars; one submission).

Submission:

Centre of Medical Genetics, University Hospital Muenster
Classification: Uncertain significance. Last evaluated: 2023-04-13. Review status: criteria provided, single submitter. Criteria: ACMG Guidelines, 2015. Collection method: clinical testing. Allele origin: unknown. Affected: yes. Observed: 1 variant allele.
Comment: ACMG categories: PM1,PM2,PP3

NM_001205019.2(GK):c.55G>C (p.Gly19Arg)

Gene: GK (glycerol kinase; plus strand). Cytogenetic location: Xp21.2.
Variant type: single nucleotide variant.
Coding change: c.55G>C on transcript NM_001205019.2 (MANE Select); coding-DNA position 55, G replaced by C.
Protein change: p.Gly19Arg; replaces glycine 19 with arginine.
Molecular consequence: missense variant. On other transcripts: non-coding transcript variant (7).
Genome position (GRCh38, 1-based): chrX:30,653,592, G>C. VCF-style: chrX-30653592-G-C. GRCh37 (hg19) VCF-style: chrX-30671709-G-C.
Other names: c.55G>C, p.Gly19Arg (NM_000167.6, NM_001128127.3, NM_001399987.1 and 1 more transcripts); short protein forms G19R.
Identifiers: ClinVar variation 2504145 (VCV002504145.2), dbSNP rs1308359513, ClinGen allele CA412642231.